The following is an entry in ClinVar:

ClinVar aggregate classification (germline): Likely pathogenic. Review status: criteria provided, multiple submitters, no conflicts (2 of 4 stars). 4 submissions from 4 submitters: Likely pathogenic (3). 1 of the submissions does not count toward it. Last evaluated 2025-06-23.

Conditions:
Leber congenital amaurosis 8 (LCA8). Identifiers: Orphanet 65, MedGen C3151202, MONDO:0013453, OMIM 613835.
Retinitis pigmentosa 12 (RP12). Also called: RP WITH OR WITHOUT PPRPE; RP WITH OR WITHOUT PRESERVED PARAARTERIOLE RETINAL PIGMENT EPITHELIUM; RETINITIS PIGMENTOSA WITH OR WITHOUT PARAARTERIOLAR PRESERVATION OF RETINAL PIGMENT EPITHELIUM. Identifiers: Orphanet 791, MedGen C1838647, MONDO:0010818, OMIM 600105.
Leber congenital amaurosis (LCA). Also called: Leber's amaurosis. Identifiers: Orphanet 65, MedGen C0339527, MeSH D057130, MONDO:0018998.

Submissions (4):

Natera, Inc.
Classification: Likely pathogenic for Leber congenital amaurosis. Last evaluated: 2025-06-23. Review status: criteria provided, single submitter. Criteria: Natera Variant Classification Schema (03/2026). Collection method: clinical testing. Allele origin: germline.
Comment: The c.2245_2247del variant in CRB1 is an in-frame deletion predicted to remove serine at amino acid 749 while preserving the reading frame. This variant is rare in the general population with a frequency below the threshold expected for the associated phenotype(s). This variant has been observed in one or more individuals affected with the associated recessive disease, as either homozygous or compound heterozygous with a second variant (PMID: 36830922, 23379534, 19401883). Additionally, this variant has been observed to segregate in affected family members (PMID: 19401883). This variant results in a change to the protein length while preserving reading frame, which may disrupt normal protein structure or function. Given the available evidence, this variant is classified as Likely Pathogenic.

Baylor Genetics
Classification: Likely pathogenic for Leber congenital amaurosis 8. Last evaluated: 2024-01-05. Review status: criteria provided, single submitter. Criteria: ACMG Guidelines, 2015. Collection method: clinical testing. Allele origin: unknown.

Labcorp Genetics (formerly Invitae), Labcorp
Classification: Likely pathogenic for Leber congenital amaurosis 8; Retinitis pigmentosa 12. Last evaluated: 2021-02-16. Review status: criteria provided, single submitter. Criteria: Invitae Variant Classification Sherloc (09022015). Collection method: clinical testing. Allele origin: germline.
Comment: This variant, c.2245_2247del, results in the deletion of 1 amino acid(s) of the CRB1 protein (p.Ser749del), but otherwise preserves the integrity of the reading frame. This variant is not present in population databases (ExAC no frequency). This variant has been observed in individual(s) withCRB1-related conditions (PMID: 12700176, 12843338). It has also been observed to segregate with disease in related individuals. ClinVar contains an entry for this variant (Variation ID: 99877). In summary, the currently available evidence indicates that the variant is pathogenic, but additional data are needed to prove that conclusively. Therefore, this variant has been classified as Likely Pathogenic.

Retina International
No classification provided. Review status: no classification provided. Collection method: not provided. Allele origin: not provided. Not counted in ClinVar's aggregate classification.

Literature cited by the submitters: PubMed 36830922 (cited by Natera, Inc.); PubMed 23379534 (cited by Natera, Inc.); PubMed 19401883 (cited by Natera, Inc.); PubMed 12700176 (cited by Labcorp Genetics (formerly Invitae), Labcorp); PubMed 12843338 (cited by Labcorp Genetics (formerly Invitae), Labcorp).

NM_201253.3(CRB1):c.2245_2247del (p.Ser749del)

Gene: CRB1 (crumbs cell polarity complex component 1; plus strand). Cytogenetic location: 1q31.3.
Variant type: Deletion.
Coding change: c.2245_2247del on transcript NM_201253.3 (MANE Select); coding-DNA positions 2245 to 2247, 3 bases deleted (TCA; older notation c.2245_2247delTCA).
Protein change: p.Ser749del; deletes serine 749.
Molecular consequence: inframe deletion. On other transcripts: non-coding transcript variant (2), intron variant (1).
Genome position (GRCh38, 1-based): chr1:197,427,570-197,427,572, TCA deleted; deleting any 3 consecutive bases within chr1:197,427,568-197,427,572 gives the same sequence; the c. name uses the placement nearest the transcript's 3' end. VCF-style (leftmost placement, unchanged base first): chr1-197427567-CCAT-C. GRCh37 (hg19) VCF-style: chr1-197396697-CCAT-C.
Other names: c.1909_1911del, p.Ser637del (NM_001193640.2); c.2038_2040del, p.Ser680del (NM_001257965.2); c.2128+5614_2128+5616del (NM_001257966.2); c.2245_2247del (NM_201253.2); short protein forms S749del, S637del, S680del.
Identifiers: ClinVar variation 99877 (VCV000099877.11), dbSNP rs62635653, ClinGen allele CA228004.